The following is an entry in ClinVar:

ClinVar aggregate classification (germline): Likely benign. Review status: criteria provided, multiple submitters, no conflicts (2 of 4 stars). 6 submissions from 6 submitters: Likely benign (4). 2 of the submissions do not count toward it. Last evaluated 2024-09-17.

Conditions:
Catecholaminergic polymorphic ventricular tachycardia (CVPT). Also called: Catecholamine-induced polymorphic ventricular tachycardia. Identifiers: Orphanet 3286, MedGen C5574922, MONDO:0017990.
Cardiovascular phenotype. Identifiers: MedGen CN230736.
Cardiomyopathy (CMYO). Also called: Cardiomyopathies. Identifiers: Orphanet 167848, MedGen C0878544, MONDO:0004994, HP:0001638. Inheritance: Various modes of inheritance.
Catecholaminergic polymorphic ventricular tachycardia 1. Also called: VENTRICULAR TACHYCARDIA, CATECHOLAMINERGIC POLYMORPHIC, 1, WITH OR WITHOUT ATRIAL DYSFUNCTION AND/OR DILATED CARDIOMYOPATHY; RYR2-Related Catecholaminergic Polymorphic Ventricular Tachycardia; VENTRICULAR TACHYCARDIA, STRESS-INDUCED POLYMORPHIC 1. Identifiers: Orphanet 3286, MedGen C1631597, MONDO:0011484, OMIM 604772.

Allele frequency attached by ClinVar (database versions not stated): gnomAD 0.00001 and 0.00002; gnomAD exomes 0.00001; TOPMed 0.00003.
gnomAD v4.1: 17 of 1,613,828 alleles (0.0011%); highest among the groups gnomAD compares: Non-Finnish European, 0.0014%; no homozygotes.

Submissions (6):

Labcorp Genetics (formerly Invitae), Labcorp
Classification: Likely benign for Catecholaminergic polymorphic ventricular tachycardia 1. Last evaluated: 2024-09-17. Review status: criteria provided, single submitter. Criteria: Invitae Variant Classification Sherloc (09022015). Collection method: clinical testing. Allele origin: germline.

All of Us Research Program, National Institutes of Health
Classification: Likely benign for Catecholaminergic polymorphic ventricular tachycardia. Last evaluated: 2023-05-15. Review status: criteria provided, single submitter. Criteria: ACMG Guidelines, 2015. Collection method: clinical testing. Allele origin: germline. Inheritance: Autosomal dominant inheritance. Observed: 3 variant alleles, 3 heterozygotes.
Comment: This study involves interpretation of variants in research participants for the purpose of population health screening. Participant phenotype was not available at the time of variant classification. Additional details can be found in publication PMID: 35346344, PMCID: PMC8962531

Ambry Genetics
Classification: Likely benign for Cardiovascular phenotype. Last evaluated: 2019-09-23. Review status: criteria provided, single submitter. Criteria: Ambry Variant Classification Scheme 2023. Collection method: clinical testing. Allele origin: germline.

Color Diagnostics, LLC DBA Color Health
Classification: Likely benign for Cardiomyopathy. Last evaluated: 2019-09-16. Review status: criteria provided, single submitter. Criteria: ACMG Guidelines, 2015. Collection method: clinical testing. Allele origin: germline.

Genome Diagnostics Laboratory, University Medical Center Utrecht
Classification: Likely benign. Review status: no assertion criteria provided. Collection method: clinical testing. Allele origin: germline. Affected: yes. Study: VKGL Data-share Consensus. Not counted in ClinVar's aggregate classification.

Joint Genome Diagnostic Labs from Nijmegen and Maastricht, Radboudumc and MUMC+
Classification: Likely benign. Review status: no assertion criteria provided. Collection method: clinical testing. Allele origin: germline. Affected: yes. Study: VKGL Data-share Consensus. Not counted in ClinVar's aggregate classification.

NM_001035.3(RYR2):c.4359T>C (p.Tyr1453=)

Gene: RYR2 (ryanodine receptor 2; plus strand). Cytogenetic location: 1q43.
Variant type: single nucleotide variant.
Coding change: c.4359T>C on transcript NM_001035.3 (MANE Select); coding-DNA position 4359, T replaced by C.
Protein change: p.Tyr1453=; no amino-acid change (tyrosine 1453 retained).
Molecular consequence: synonymous variant.
Genome position (GRCh38, 1-based): chr1:237,593,559, T>C. VCF-style: chr1-237593559-T-C. GRCh37 (hg19) VCF-style: chr1-237756859-T-C.
Other names: c.4359T>C (NM_001035.2).
Identifiers: ClinVar variation 921519 (VCV000921519.18), dbSNP rs1054102228, ClinGen allele CA39805650.